The following is an entry in ClinVar:

NM_001916.5(CYC1):c.688G>A (p.Gly230Ser)

Gene: CYC1 (cytochrome c1; plus strand). Cytogenetic location: 8q24.3.
Variant type: single nucleotide variant.
Coding change: c.688G>A on transcript NM_001916.5 (MANE Select); coding-DNA position 688, G replaced by A.
Protein change: p.Gly230Ser; replaces glycine 230 with serine.
Molecular consequence: missense variant.
Genome position (GRCh38, 1-based): chr8:144,096,660, G>A. VCF-style: chr8-144096660-G-A. GRCh37 (hg19) VCF-style: chr8-145151563-G-A.
Other names: c.688G>A (NM_001916.3); short protein forms G230S.
Identifiers: ClinVar variation 1442884 (VCV001442884.7), dbSNP rs202017594, ClinGen allele CA4933488.

ClinVar aggregate classification (germline): Uncertain significance. Review status: criteria provided, multiple submitters, no conflicts (2 of 4 stars). 2 submissions from 2 submitters: Uncertain significance (2). Last evaluated 2025-12-21.

Allele frequency attached by ClinVar (database versions not stated): TOPMed 0.00004; gnomAD 0.00012 and 0.00013; gnomAD exomes 0.00014; ExAC 0.00015; ESP Exome Variant Server 0.00015.

Submissions (2):

Labcorp Genetics (formerly Invitae), Labcorp
Classification: Uncertain significance. Last evaluated: 2025-12-21. Review status: criteria provided, single submitter. Criteria: Invitae Variant Classification Sherloc (09022015). Collection method: clinical testing. Allele origin: germline.
Comment: This sequence change replaces glycine, which is neutral and non-polar, with serine, which is neutral and polar, at codon 230 of the CYC1 protein (p.Gly230Ser). This variant is present in population databases (rs202017594, gnomAD 0.09%), and has an allele count higher than expected for a pathogenic variant. This variant has not been reported in the literature in individuals affected with CYC1-related conditions. ClinVar contains an entry for this variant (Variation ID: 1442884). Invitae Evidence Modeling of protein sequence and biophysical properties (such as structural, functional, and spatial information, amino acid conservation, physicochemical variation, residue mobility, and thermodynamic stability) has been performed for this missense variant. However, the output from this modeling did not meet the statistical confidence thresholds required to predict the impact of this variant on CYC1 protein function. In summary, the available evidence is currently insufficient to determine the role of this variant in disease. Therefore, it has been classified as a Variant of Uncertain Significance.

Ambry Genetics
Classification: Uncertain significance. Last evaluated: 2021-07-06. Review status: criteria provided, single submitter. Criteria: Ambry Variant Classification Scheme 2023. Collection method: clinical testing. Allele origin: germline.